The following is an entry in ClinVar:

NM_001372044.2(SHANK3):c.3206del (p.Pro1069fs)

Gene: SHANK3 (SH3 and multiple ankyrin repeat domains 3; plus strand). Cytogenetic location: 22q13.33.
Variant type: Deletion.
Coding change: c.3206del on transcript NM_001372044.2 (MANE Select); coding-DNA position 3206, one base deleted (C; older notation c.3206delC).
Protein change: p.Pro1069fs; shifts the reading frame from proline 1069.
Molecular consequence: frameshift variant.
Genome position (GRCh38, 1-based): chr22:50,720,814, C deleted; the last of 3 consecutive C bases (chr22:50,720,812-50,720,814); deleting any one gives the same sequence. VCF-style (leftmost placement, unchanged base first): chr22-50720811-GC-G. GRCh37 (hg19) VCF-style: chr22-51159239-GC-G.
Other names: short protein forms P1069fs.
Identifiers: ClinVar variation 4855279 (VCV004855279.1).
Genomic context (GRCh38, chr22:50,720,811, plus strand): 5'-GCCCCGGTCCCGGCGGCGGCAGCTTCGCCCGCGAGCCCTCCCCGACCCACCGCGGTCCGC[GC>G]CCGGGTGGCCTCGACTACGGCGCGGGCGATGGCCCGGGGCTCGCGTTCGGCGGCCCGGGC-3'

ClinVar aggregate classification (germline): Likely pathogenic (1 of 4 stars; one submission).

Conditions:
Phelan-McDermid syndrome. Also called: Phelan-McDermid Syndrome-SHANK3 Related; TELOMERIC 22q13 MONOSOMY SYNDROME; 22q13.3 deletion syndrome. Identifiers: Orphanet 48652, MedGen C1853490, MONDO:0011652, OMIM 606232.

Submission:

3billion
Classification: Likely pathogenic for Phelan-McDermid syndrome. Last evaluated: 2025-10-13. Review status: criteria provided, single submitter. Criteria: ACMG Guidelines, 2015. Collection method: clinical testing. Allele origin: germline. Affected: yes.
Comment: The variant is not observed in the gnomAD v4.1.0 dataset. Predicted Consequence/Location: Frameshift: predicted to result in a loss or disruption of normal protein function through nonsense-mediated decay (NMD) or protein truncation. Multiple pathogenic variants are reported downstream of the variant. Therefore, this variant is classified as Likely pathogenic according to the recommendation of ACMG/AMP guideline.